The following is an entry in ClinVar:

NM_003998.4(NFKB1):c.741T>A (p.Asn247Lys)

Gene: NFKB1 (nuclear factor kappa B subunit 1; plus strand). Cytogenetic location: 4q24.
Variant type: single nucleotide variant.
Coding change: c.741T>A on transcript NM_003998.4 (MANE Select); coding-DNA position 741, T replaced by A.
Protein change: p.Asn247Lys; replaces asparagine 247 with lysine.
Molecular consequence: missense variant.
Genome position (GRCh38, 1-based): chr4:102,580,545, T>A. VCF-style: chr4-102580545-T-A. GRCh37 (hg19) VCF-style: chr4-103501702-T-A.
Other names: c.738T>A, p.Asn246Lys (NM_001165412.2, NM_001319226.2, NM_001382627.1); c.741T>A, p.Asn247Lys (NM_001382625.1, NM_001382626.1); c.699T>A, p.Asn233Lys (NM_001382628.1); short protein forms N233K, N246K, N247K.
Identifiers: ClinVar variation 4281557 (VCV004281557.7).
Genomic context (GRCh38, chr4:102,580,545, plus strand): 5'-GTTGAGCTGAGGATTAATCATGTTATTTGTTGTTTTTCCCCTGTGAACAGAAGCCCCCAA[T>A]GCATCCAACTTGAAAATTGTAAGAATGGACAGGACAGCTGGATGTGTGACTGGAGGGGAG-3'
Protein context (NP_003989.2, residues 237-257): SDAIYDSKAP[Asn247Lys]ASNLKIVRMD

ClinVar aggregate classification (germline): Uncertain significance (1 of 4 stars; one submission).

Submission:

CeGaT Center for Human Genetics Tuebingen
Classification: Uncertain significance. Last evaluated: 2025-09-01. Review status: criteria provided, single submitter. Criteria: CeGaT Center For Human Genetics Tuebingen Variant Classification Criteria Version 2. Collection method: clinical testing. Allele origin: germline. Affected: yes. Observed: 1 variant allele.
Comment: NFKB1: PM2